The following is an entry in ClinVar:

ClinVar aggregate classification (germline): Pathogenic (1 of 4 stars; one submission).

Submission:

Labcorp Genetics (formerly Invitae), Labcorp
Classification: Pathogenic. Last evaluated: 2023-08-01. Review status: criteria provided, single submitter. Criteria: Invitae Variant Classification Sherloc (09022015). Collection method: clinical testing. Allele origin: unknown.
Comment: For these reasons, this variant has been classified as Pathogenic. A similar copy number variant has been observed in individual(s) with mulibrey nanism (PMID: 28815877). This variant is a gross deletion of the genomic region encompassing exon(s) 9 of the TRIM37 gene. This deletion is out-of-frame, and is expected to create a premature termination codon and result in an absent or disrupted protein product. Loss-of-function variants in TRIM37 are known to be pathogenic (PMID: 10888877, 15108285).

Literature cited by the submitters: PubMed 28815877; PubMed 10888877; PubMed 15108285.

NC_000017.10:g.(?_57148164)_(57148328_?)del

Gene: TRIM37 (tripartite motif containing 37; minus strand). Cytogenetic location: 17q22.
Variant type: Deletion.
Identifiers: ClinVar variation 3243189 (VCV003243189.1).